The following is an entry in ClinVar:

NM_001687.5(ATP5F1D):c.100G>A (p.Gly34Ser)

Genes: ATP5F1D (ATP synthase F1 subunit delta; plus strand), LOC130062903 (ATAC-STARR-seq lymphoblastoid silent region 9673; plus strand). Cytogenetic location: 19p13.3.
Variant type: single nucleotide variant.
Coding change: c.100G>A on transcript NM_001687.5 (MANE Select); coding-DNA position 100, G replaced by A.
Protein change: p.Gly34Ser; replaces glycine 34 with serine.
Molecular consequence: missense variant.
Genome position (GRCh38, 1-based): chr19:1,241,950, G>A. VCF-style: chr19-1241950-G-A. GRCh37 (hg19) VCF-style: chr19-1241949-G-A.
Other names: c.100G>A, p.Gly34Ser (NM_001001975.2); short protein forms G34S.
Identifiers: ClinVar variation 2416897 (VCV002416897.7), dbSNP rs760568689, ClinGen allele CA9040199.
Genomic context (GRCh38, chr19:1,241,950, plus strand): 5'-CGCCTCGTCCGCCACGCCCGTGCCTATGCCGAGGCCGCCGCCGCCCCGGCTGCCGCCTCT[G>A]GCCCCAACCAGATGTCCTTCACCTTCGCCTCTCCCACGCAGGTTCGGGCGCTGCGGGTCG-3'
Protein context (NP_001678.1, residues 24-44): EAAAAPAAAS[Gly34Ser]PNQMSFTFAS

ClinVar aggregate classification (germline): Uncertain significance (1 of 4 stars; one submission).

Allele frequency attached by ClinVar (database versions not stated): TOPMed below 0.00001; ExAC 0.00001; gnomAD exomes 0.00001.

Submission:

Labcorp Genetics (formerly Invitae), Labcorp
Classification: Uncertain significance. Last evaluated: 2025-10-22. Review status: criteria provided, single submitter. Criteria: Invitae Variant Classification Sherloc (09022015). Collection method: clinical testing. Allele origin: germline.
Comment: This sequence change replaces glycine, which is neutral and non-polar, with serine, which is neutral and polar, at codon 34 of the ATP5D protein (p.Gly34Ser). This variant is not present in population databases (gnomAD no frequency). This variant has not been reported in the literature in individuals affected with ATP5D-related conditions. ClinVar contains an entry for this variant (Variation ID: 2416897). An algorithm developed to predict the effect of missense changes on protein structure and function (PolyPhen-2) suggests that this variant is likely to be tolerated. In summary, the available evidence is currently insufficient to determine the role of this variant in disease. Therefore, it has been classified as a Variant of Uncertain Significance.